The following is an entry in ClinVar:

NM_005159.5(ACTC1):c.1100C>T (p.Ala367Val)

Genes: ACTC1 (actin alpha cardiac muscle 1; minus strand), GJD2-DT (GJD2 divergent transcript; plus strand). Cytogenetic location: 15q14.
Variant type: single nucleotide variant.
Coding change: c.1100C>T on transcript NM_005159.5 (MANE Select); coding-DNA position 1100, C replaced by T.
Protein change: p.Ala367Val; replaces alanine 367 with valine.
Molecular consequence: missense variant.
Genome position (GRCh38, 1-based): chr15:34,790,446, G>A on the plus strand (C>T on the coding strand, the complement: ACTC1 is on the minus strand). VCF-style: chr15-34790446-G-A. GRCh37 (hg19) VCF-style: chr15-35082647-G-A.
Other names: c.1100C>T, p.Ala367Val (NM_001406482.1, NM_001406483.1); c.965C>T, p.Ala322Val (NM_001406484.1); c.659C>T, p.Ala220Val (NM_001406485.1); short protein forms A220V, A322V, A367V.
Identifiers: ClinVar variation 3071494 (VCV003071494.1), dbSNP rs2140428937, ClinGen allele CA391628633.
Genomic context (GRCh38, chr15:34,790,446, plus strand): 5'-GAAGGTAGATGGAGAGAGAAGGCATCTTAGAAGCATTTGCGGTGGACAATGGATGGGCCT[G>A]CCTCATCGTACTCTTGCTTGCTAATCCACATTTGCTGGAAGGTGGACAGAGAGGCCAGGA-3'
Protein context (NP_005150.1, residues 357-377): MWISKQEYDE[Ala367Val]GPSIVHRKCF

ClinVar aggregate classification (germline): Uncertain significance (1 of 4 stars; one submission).

Conditions:
Hypertrophic cardiomyopathy. Also called: HYPERTROPHIC MYOCARDIOPATHY. Identifiers: Orphanet 217569, MedGen C0007194, MeSH D002312, MONDO:0005045, HP:0001639.

Submission:

All of Us Research Program, National Institutes of Health
Classification: Uncertain significance for Hypertrophic cardiomyopathy. Last evaluated: 2023-06-08. Review status: criteria provided, single submitter. Criteria: ACMG Guidelines, 2015. Collection method: clinical testing. Allele origin: germline. Inheritance: Autosomal dominant inheritance. Observed: 1 variant allele, 1 heterozygote.
Comment: This missense variant replaces alanine with valine at codon 367 of the ACTC1 protein. Computational prediction is inconclusive regarding the impact of this variant on protein structure and function (internally defined REVEL score threshold 0.5 < inconclusive < 0.7, PMID: 27666373). To our knowledge, functional studies have not been reported for this variant. This variant has not been reported in individuals affected with ACTC1-related disorders in the literature. This variant has not been identified in the general population by the Genome Aggregation Database (gnomAD). The available evidence is insufficient to determine the role of this variant in disease conclusively. Therefore, this variant is classified as a Variant of Uncertain Significance.

This study involves interpretation of variants in research participants for the purpose of population health screening. Participant phenotype was not available at the time of variant classification. Additional details can be found in publication PMID: 35346344, PMCID: PMC8962531